The following is an entry in ClinVar:

NM_004415.4(DSP):c.82T>G (p.Tyr28Asp)

Genes: DSP (desmoplakin; plus strand), DSP-AS1 (DSP antisense RNA 1; minus strand). Cytogenetic location: 6p24.3.
Variant type: single nucleotide variant.
Coding change: c.82T>G on transcript NM_004415.4 (MANE Select); coding-DNA position 82, T replaced by G.
Protein change: p.Tyr28Asp; replaces tyrosine 28 with aspartic acid.
Molecular consequence: missense variant.
Genome position (GRCh38, 1-based): chr6:7,541,997, T>G. VCF-style: chr6-7541997-T-G. GRCh37 (hg19) VCF-style: chr6-7542230-T-G.
Other names: c.82T>G (LRG_423t1); c.82T>G, p.Tyr28Asp (NM_001008844.3, NM_001319034.2); short protein forms Y28D.
Identifiers: ClinVar variation 534307 (VCV000534307.9), dbSNP rs766454930, ClinGen allele CA052008.

ClinVar aggregate classification (germline): Uncertain significance. Review status: criteria provided, multiple submitters, no conflicts (2 of 4 stars). 7 submissions from 7 submitters: Uncertain significance (3). 4 of the submissions do not count toward it. Last evaluated 2023-12-13.

Conditions:
Arrhythmogenic cardiomyopathy with wooly hair and keratoderma. Also called: PALMOPLANTAR KERATODERMA WITH LEFT VENTRICULAR CARDIOMYOPATHY AND WOOLLY HAIR; Carvajal syndrome; Dilated cardiomyopathy with woolly hair and keratoderma; Arrhythmogenic cardiomyopathy with woolly hair and keratoderma. Identifiers: Orphanet 65282, MedGen C1854063, MONDO:0011581, OMIM 605676.
Arrhythmogenic right ventricular dysplasia 8 (ARVD8). Also called: Arrhythmogenic Right Ventricular Dysplasia/Cardiomyopathy 8; ARRHYTHMOGENIC RIGHT VENTRICULAR DYSPLASIA, FAMILIAL, 8; ARRHYTHMOGENIC RIGHT VENTRICULAR CARDIOMYOPATHY 8. Identifiers: MedGen C1843896, MONDO:0011831, OMIM 607450.

Allele frequency attached by ClinVar (database versions not stated): TOPMed 0.00001; ExAC 0.00002; gnomAD 0.00002.
gnomAD v4.1: 10 of 1,599,206 alleles (0.00063%); highest among the groups gnomAD compares: Non-Finnish European, 0.00085%; no homozygotes.

Submissions (7):

All of Us Research Program, National Institutes of Health
Classification: Uncertain significance for Arrhythmogenic cardiomyopathy with wooly hair and keratoderma. Last evaluated: 2023-12-13. Review status: criteria provided, single submitter. Criteria: ACMG Guidelines, 2015. Collection method: clinical testing. Allele origin: germline. Inheritance: Autosomal dominant inheritance. Observed: 1 variant allele, 1 heterozygote.
Comment: This missense variant replaces tyrosine with aspartic acid at codon 28 of the DSP protein. Computational prediction suggests that this variant may not impact protein structure and function (internally defined REVEL score threshold <= 0.5, PMID: 27666373). To our knowledge, functional studies have not been reported for this variant. This variant has not been reported in individuals affected with DSP-related disorders in the literature. This variant has been identified in 1/213142 chromosomes in the general population by the Genome Aggregation Database (gnomAD). The available evidence is insufficient to determine the role of this variant in disease conclusively. Therefore, this variant is classified as a Variant of Uncertain Significance.

This study involves interpretation of variants in research participants for the purpose of population health screening. Participant phenotype was not available at the time of variant classification. Additional details can be found in publication PMID: 35346344, PMCID: PMC8962531

Blueprint Genetics
Classification: Uncertain significance. Last evaluated: 2019-09-26. Review status: criteria provided, single submitter. Criteria: ACMG Guidelines, 2015. Collection method: clinical testing. Allele origin: germline.

Labcorp Genetics (formerly Invitae), Labcorp
Classification: Uncertain significance for Arrhythmogenic cardiomyopathy with wooly hair and keratoderma; Arrhythmogenic right ventricular dysplasia 8. Last evaluated: 2017-08-31. Review status: criteria provided, single submitter. Criteria: Invitae Variant Classification Sherloc (09022015). Collection method: clinical testing. Allele origin: germline.
Comment: This sequence change replaces tyrosine with aspartic acid at codon 28 of the DSP protein (p.Tyr28Asp). The tyrosine residue is moderately conserved and there is a large physicochemical difference between tyrosine and aspartic acid. This variant is present in population databases (rs766454930, ExAC 0.004%). This variant has not been reported in the literature in individuals with DSP-related disease. Algorithms developed to predict the effect of missense changes on protein structure and function do not agree on the potential impact of this missense change (SIFT: "Deleterious"; PolyPhen-2: "Benign"; Align-GVGD: "Class C0"). In summary, the available evidence is currently insufficient to determine the role of this variant in disease. Therefore, it has been classified as a Variant of Uncertain Significance.

Clinical Genetics DNA and cytogenetics Diagnostics Lab, Erasmus MC, Erasmus Medical Center
Classification: Uncertain significance. Review status: no assertion criteria provided. Collection method: clinical testing. Allele origin: germline. Affected: yes. Study: VKGL Data-share Consensus. Not counted in ClinVar's aggregate classification.

Clinical Genetics, Academic Medical Center
Classification: Uncertain significance. Review status: no assertion criteria provided. Collection method: clinical testing. Allele origin: germline. Affected: yes. Study: VKGL Data-share Consensus. Not counted in ClinVar's aggregate classification.

Genome Diagnostics Laboratory, University Medical Center Utrecht
Classification: Uncertain significance. Review status: no assertion criteria provided. Collection method: clinical testing. Allele origin: germline. Affected: yes. Study: VKGL Data-share Consensus. Not counted in ClinVar's aggregate classification.

Joint Genome Diagnostic Labs from Nijmegen and Maastricht, Radboudumc and MUMC+
Classification: Uncertain significance. Review status: no assertion criteria provided. Collection method: clinical testing. Allele origin: germline. Affected: yes. Study: VKGL Data-share Consensus. Not counted in ClinVar's aggregate classification.